The following is an entry in ClinVar:

NM_000465.4(BARD1):c.1569-19T>G

Gene: BARD1 (BRCA1 associated RING domain 1; minus strand). Cytogenetic location: 2q35.
Variant type: single nucleotide variant.
Coding change: c.1569-19T>G on transcript NM_000465.4 (MANE Select); 19 bases into the intron before coding-DNA position 1569, T replaced by G.
Molecular consequence: intron variant.
Genome position (GRCh38, 1-based): chr2:214,752,574, A>C on the plus strand (T>G on the coding strand, the complement: BARD1 is on the minus strand). VCF-style: chr2-214752574-A-C. GRCh37 (hg19) VCF-style: chr2-215617298-A-C.
Other names: c.159-19T>G (NM_001282548.2); c.1512-19T>G (NM_001282543.2); c.216-19T>G (NM_001282545.2); c.365-22066T>G (NM_001282549.2).
Identifiers: ClinVar variation 2087449 (VCV002087449.4), dbSNP rs2469379488, ClinGen allele CA2580065609.

ClinVar aggregate classification (germline): Uncertain significance (1 of 4 stars; one submission).

Conditions:
Familial cancer of breast. Also called: hereditary breast carcinoma; BREAST CANCER, FAMILIAL; Hereditary breast cancer. Identifiers: Orphanet 227535, MedGen C0346153, MONDO:0016419, OMIM 114480. Disease mechanism: loss of function.

Submission:

Labcorp Genetics (formerly Invitae), Labcorp
Classification: Uncertain significance for Familial cancer of breast. Last evaluated: 2025-07-14. Review status: criteria provided, single submitter. Criteria: Invitae Variant Classification Sherloc (09022015). Collection method: clinical testing. Allele origin: germline.
Comment: This sequence change falls in intron 6 of the BARD1 gene. It does not directly change the encoded amino acid sequence of the BARD1 protein. This variant is not present in population databases (gnomAD no frequency). This variant has not been reported in the literature in individuals affected with BARD1-related conditions. ClinVar contains an entry for this variant (Variation ID: 2087449). Studies have shown that this variant is associated with inconclusive levels of altered splicing (internal data). In summary, the available evidence is currently insufficient to determine the role of this variant in disease. Therefore, it has been classified as a Variant of Uncertain Significance.